The following is an entry in ClinVar:

NM_014317.5(PDSS1):c.650T>C (p.Ile217Thr)

Gene: PDSS1 (decaprenyl diphosphate synthase subunit 1; plus strand). Cytogenetic location: 10p12.1.
Variant type: single nucleotide variant.
Coding change: c.650T>C on transcript NM_014317.5 (MANE Select); coding-DNA position 650, T replaced by C.
Protein change: p.Ile217Thr; replaces isoleucine 217 with threonine.
Molecular consequence: missense variant.
Genome position (GRCh38, 1-based): chr10:26,723,846, T>C. VCF-style: chr10-26723846-T-C. GRCh37 (hg19) VCF-style: chr10-27012775-T-C.
Other names: c.650T>C, p.Ile217Thr (NM_001321978.2); c.140T>C, p.Ile47Thr (NM_001321979.2); short protein forms I217T, I47T.
Identifiers: ClinVar variation 1690498 (VCV001690498.2), dbSNP rs2132269135, ClinGen allele CA376348147.

ClinVar aggregate classification (germline): Uncertain significance (1 of 4 stars; one submission).

Submission:

Laboratorio de Genetica e Diagnostico Molecular, Hospital Israelita Albert Einstein
Classification: Uncertain significance. Last evaluated: 2021-11-23. Review status: criteria provided, single submitter. Criteria: ACMG Guidelines, 2015. Collection method: clinical testing. Allele origin: germline. Affected: yes.
Comment: ACMG classification criteria: PM2, BP4